The following is an entry in ClinVar:

ClinVar aggregate classification (germline): Uncertain significance (1 of 4 stars; one submission).

Submission:

GeneDx
Classification: Uncertain significance. Last evaluated: 2026-04-17. Review status: criteria provided, single submitter. Criteria: GeneDx Variant Classification Process June 2021. Collection method: clinical testing. Allele origin: germline.
Comment: Not observed at significant frequency in large population cohorts (gnomAD); In silico analysis suggests that this missense variant does not alter protein structure/function; Has not been previously published as pathogenic or benign to our knowledge

NM_000424.4(KRT5):c.1471A>G (p.Ile491Val)

Gene: KRT5 (keratin 5; minus strand). Cytogenetic location: 12q13.13.
Variant type: single nucleotide variant.
Coding change: c.1471A>G on transcript NM_000424.4 (MANE Select); coding-DNA position 1471, A replaced by G.
Protein change: p.Ile491Val; replaces isoleucine 491 with valine.
Molecular consequence: missense variant.
Genome position (GRCh38, 1-based): chr12:52,515,801, T>C on the plus strand (A>G on the coding strand, the complement: KRT5 is on the minus strand). VCF-style: chr12-52515801-T-C. GRCh37 (hg19) VCF-style: chr12-52909585-T-C.
Other names: short protein forms I491V.
Identifiers: ClinVar variation 5037086 (VCV005037086.1).
Genomic context (GRCh38, chr12:52,515,801, plus strand): 5'-GGCACTAAATATATCCCATATTATTGTCGTTGTTAATGTCTGTTCAAAGCTACTTACAGA[T>C]GTTGACTGGTCCAACTCCTTCTCCACTGAGTCTGAAAGGGGAAAAATTGAATTAAGGGTT-3'
Protein context (NP_000415.2, residues 481-501): LSGEGVGPVN[Ile491Val]SVVTSSVSSG